The following is an entry in ClinVar:

ClinVar aggregate classification (germline): Uncertain significance (1 of 4 stars; one submission).

Conditions:
TRRAP-related disorder. Also called: TRRAP-related condition.

gnomAD v4.1: 4 of 1,614,128 alleles (0.00025%); highest among the groups gnomAD compares: East Asian, 0.0022%; no homozygotes.

Submission:

PreventionGenetics, part of Exact Sciences
Classification: Uncertain significance for TRRAP-related condition. Last evaluated: 2024-11-16. Review status: criteria provided, single submitter. Criteria: ACMG Guidelines, 2015. Collection method: clinical testing. Allele origin: germline.
Comment: The TRRAP c.6739C>G variant is predicted to result in the amino acid substitution p.Pro2247Ala. To our knowledge, this variant has not been reported in the literature. This variant is reported in 0.0062% of alleles in individuals of African descent in gnomAD. At this time, the clinical significance of this variant is uncertain due to the absence of conclusive functional and genetic evidence.

NM_001375524.1(TRRAP):c.6814C>G (p.Pro2272Ala)

Gene: TRRAP (transformation/transcription domain associated protein; plus strand). Cytogenetic location: 7q22.1.
Variant type: single nucleotide variant.
Coding change: c.6814C>G on transcript NM_001375524.1 (MANE Select); coding-DNA position 6814, C replaced by G.
Protein change: p.Pro2272Ala; replaces proline 2272 with alanine.
Molecular consequence: missense variant.
Genome position (GRCh38, 1-based): chr7:98,962,412, C>G. VCF-style: chr7-98962412-C-G. GRCh37 (hg19) VCF-style: chr7-98560035-C-G.
Other names: c.6793C>G, p.Pro2265Ala (NM_001244580.2); c.6739C>G, p.Pro2247Ala (NM_003496.4); short protein forms P2265A, P2247A, P2272A.
Identifiers: ClinVar variation 4997571 (VCV004997571.1).